The following is an entry in ClinVar:

ClinVar aggregate classification (germline): Uncertain significance. Review status: criteria provided, multiple submitters, no conflicts (2 of 4 stars). 2 submissions from 2 submitters: Uncertain significance (2). Last evaluated 2024-10-11.

Conditions:
Hereditary cancer-predisposing syndrome. Also called: Tumor predisposition; Hereditary neoplastic syndrome; Neoplastic Syndromes, Hereditary; Hereditary Cancer Syndrome. Identifiers: Orphanet 140162, MedGen C0027672, MeSH D009386, MONDO:0015356.

Allele frequency attached by ClinVar (database versions not stated): gnomAD exomes below 0.00001.
gnomAD v4.1: 2 of 1,610,174 alleles (0.00012%); highest among the groups gnomAD compares: South Asian, 0.0011%; no homozygotes.

Submissions (2):

Ambry Genetics
Classification: Uncertain significance for Hereditary cancer-predisposing syndrome. Last evaluated: 2024-10-11. Review status: criteria provided, single submitter. Criteria: Ambry Variant Classification Scheme 2023. Collection method: clinical testing. Allele origin: germline.
Comment: The p.G294V variant (also known as c.881G>T), located in coding exon 6 of the ATM gene, results from a G to T substitution at nucleotide position 881. The glycine at codon 294 is replaced by valine, an amino acid with dissimilar properties. This amino acid position is conserved. In addition, the in silico prediction for this alteration is inconclusive. Based on the available evidence, the clinical significance of this variant remains unclear.

GeneDx
Classification: Uncertain significance. Last evaluated: 2023-02-23. Review status: criteria provided, single submitter. Criteria: GeneDx Variant Classification Process June 2021. Collection method: clinical testing. Allele origin: germline. Affected: yes.
Comment: Not observed at significant frequency in large population cohorts (gnomAD); In silico analysis supports that this missense variant has a deleterious effect on protein structure/function; Has not been previously published as pathogenic or benign to our knowledge

NM_000051.4(ATM):c.881G>T (p.Gly294Val)

Gene: ATM (ATM serine/threonine kinase; plus strand). Cytogenetic location: 11q22.3.
Variant type: single nucleotide variant.
Coding change: c.881G>T on transcript NM_000051.4 (MANE Select); coding-DNA position 881, G replaced by T.
Protein change: p.Gly294Val; replaces glycine 294 with valine.
Molecular consequence: missense variant.
Genome position (GRCh38, 1-based): chr11:108,245,006, G>T. VCF-style: chr11-108245006-G-T. GRCh37 (hg19) VCF-style: chr11-108115733-G-T.
Other names: c.881G>T, p.Gly294Val (NM_001351834.2); short protein forms G294V.
Identifiers: ClinVar variation 2577739 (VCV002577739.2), dbSNP rs1370428326, ClinGen allele CA382529576.
Genomic context (GRCh38, chr11:108,245,006, plus strand): 5'-CTTTAAAAGAAGTCATTATTGAATTATTTCAACTGCAAATTTATATCCATCATCCGAAAG[G>T]AGCCAAAACCCAAGAAAAAGGTATAAAGGAAATGTTTACTGTTTTGAATTTGCTTCTTCA-3'
Protein context (NP_000042.3, residues 284-304): QLQIYIHHPK[Gly294Val]AKTQEKGAYE